The following is an entry in ClinVar:

ClinVar aggregate classification (germline): Uncertain significance. Review status: criteria provided, multiple submitters, no conflicts (2 of 4 stars). 2 submissions from 2 submitters: Uncertain significance (2). Last evaluated 2026-09-01.

gnomAD v4.1: 17 of 1,614,144 alleles (0.0011%); highest among the groups gnomAD compares: Admixed American, 0.028%; no homozygotes.

Submissions (2):

CeGaT Center for Human Genetics Tuebingen
Classification: Uncertain significance. Last evaluated: 2026-09-01. Review status: criteria provided, single submitter. Criteria: CeGaT Center For Human Genetics Tuebingen Variant Classification Criteria Version 2. Collection method: clinical testing. Allele origin: germline. Affected: yes. Observed: 1 variant allele.
Comment: NIN: PM2

Labcorp Genetics (formerly Invitae), Labcorp
Classification: Uncertain significance. Last evaluated: 2025-08-27. Review status: criteria provided, single submitter. Criteria: Invitae Variant Classification Sherloc (09022015). Collection method: clinical testing. Allele origin: germline.
Comment: This sequence change replaces glutamine, which is neutral and polar, with arginine, which is basic and polar, at codon 2060 of the NIN protein (p.Gln2060Arg). This variant is present in population databases (rs763970819, gnomAD 0.04%). This variant has not been reported in the literature in individuals affected with NIN-related conditions. An algorithm developed to predict the effect of missense changes on protein structure and function (PolyPhen-2) suggests that this variant is likely to be disruptive. In summary, the available evidence is currently insufficient to determine the role of this variant in disease. Therefore, it has been classified as a Variant of Uncertain Significance.

NM_020921.4(NIN):c.6179A>G (p.Gln2060Arg)

Gene: NIN (ninein; minus strand). Cytogenetic location: 14q22.1.
Variant type: single nucleotide variant.
Coding change: c.6179A>G on transcript NM_020921.4 (MANE Select); coding-DNA position 6179, A replaced by G.
Protein change: p.Gln2060Arg; replaces glutamine 2060 with arginine.
Molecular consequence: missense variant.
Genome position (GRCh38, 1-based): chr14:50,725,966, T>C on the plus strand (A>G on the coding strand, the complement: NIN is on the minus strand). VCF-style: chr14-50725966-T-C. GRCh37 (hg19) VCF-style: chr14-51192684-T-C.
Other names: c.4040A>G, p.Gln1347Arg (NM_016350.5); c.6179A>G, p.Gln2060Arg (NM_182946.2); short protein forms Q1347R, Q2060R.
Identifiers: ClinVar variation 4803902 (VCV004803902.2).